The following is an entry in ClinVar:

ClinVar aggregate classification (germline): Benign/Likely benign. Review status: criteria provided, multiple submitters, no conflicts (2 of 4 stars). 9 submissions from 9 submitters: Benign (2); Likely benign (5). 2 of the submissions do not count toward it. Last evaluated 2025-12-30.

Conditions:
Autosomal recessive limb-girdle muscular dystrophy type 2J (LGMDR10). Also called: Limb-girdle muscular dystrophy, type 2J; MUSCULAR DYSTROPHY, LIMB-GIRDLE, AUTOSOMAL RECESSIVE 10. Identifiers: Orphanet 140922, MedGen C1837342, MONDO:0012127, OMIM 608807.
Dilated cardiomyopathy 1G (CMD1G). Identifiers: Orphanet 154, MedGen C1858763, MONDO:0011400, OMIM 604145.
Cardiomyopathy (CMYO). Also called: Cardiomyopathies. Identifiers: Orphanet 167848, MedGen C0878544, MONDO:0004994, HP:0001638. Inheritance: Various modes of inheritance.

Allele frequency attached by ClinVar (database versions not stated): TOPMed below 0.00001; gnomAD 0.00001 and 0.00015; gnomAD exomes 0.00069 and 0.00030; 1000 Genomes Project 30x 0.00078; 1000 Genomes Project 0.00080; ExAC 0.00195.

Submissions (9):

Labcorp Genetics (formerly Invitae), Labcorp
Classification: Benign for Dilated cardiomyopathy 1G; Autosomal recessive limb-girdle muscular dystrophy type 2J. Last evaluated: 2025-12-30. Review status: criteria provided, single submitter. Criteria: Invitae Variant Classification Sherloc (09022015). Collection method: clinical testing. Allele origin: germline.

Blueprint Genetics
Classification: Likely benign. Last evaluated: 2024-09-12. Review status: criteria provided, single submitter. Criteria: ACMG Guidelines, 2015. Collection method: clinical testing. Allele origin: germline.

CHEO Genetics Diagnostic Laboratory, Children's Hospital of Eastern Ontario
Classification: Benign for Cardiomyopathy. Last evaluated: 2018-07-31. Review status: criteria provided, single submitter. Criteria: ACMG Guidelines, 2015. Collection method: clinical testing. Allele origin: germline.

GeneDx
Classification: Likely benign. Last evaluated: 2016-10-19. Review status: criteria provided, single submitter. Criteria: GeneDx Variant Classification Process June 2021. Collection method: clinical testing. Allele origin: germline. Affected: yes.
Comment: This variant is associated with the following publications: (PMID: 24503780)

Eurofins Ntd Llc (ga)
Classification: Likely benign. Last evaluated: 2016-09-13. Review status: criteria provided, single submitter. Criteria: EGL Classification Definitions. Collection method: clinical testing. Allele origin: germline. Observed: 1 variant allele, 1 heterozygote.

Laboratory for Molecular Medicine, Mass General Brigham Personalized Medicine
Classification: Likely benign. Last evaluated: 2012-04-13. Review status: criteria provided, single submitter. Criteria: LMM Criteria. Collection method: clinical testing. Allele origin: germline. Observed: 2 variant alleles.
Comment: 32704+7_32704+10dupAATG in intron 166 of TTN: This variant is not expected to ha ve clinical significance because it is not located within the splice consensus s equence. 32704+7_32704+10dupAATG in intron 166 of TTN (allele frequency = n/a)

PreventionGenetics, part of Exact Sciences
Classification: Likely benign. Review status: criteria provided, single submitter. Criteria: ACMG Guidelines, 2015. Collection method: clinical testing. Allele origin: germline.

Clinical Genetics DNA and cytogenetics Diagnostics Lab, Erasmus MC, Erasmus Medical Center
Classification: Likely benign. Review status: no assertion criteria provided. Collection method: clinical testing. Allele origin: germline. Affected: yes. Study: VKGL Data-share Consensus. Not counted in ClinVar's aggregate classification.

Diagnostic Laboratory, Department of Genetics, University Medical Center Groningen
Classification: Likely benign. Review status: no assertion criteria provided. Collection method: clinical testing. Allele origin: germline. Affected: yes. Study: VKGL Data-share Consensus. Not counted in ClinVar's aggregate classification.

NM_001267550.2(TTN):c.40408+7_40408+10dup

Gene: TTN (titin; minus strand). Cytogenetic location: 2q31.2.
Variant type: Duplication.
Coding change: c.40408+7_40408+10dup on transcript NM_001267550.2 (MANE Select); bases 7 to 10 of the intron after coding-DNA position 40408, 4 bases duplicated (AATG; older notation c.40408+7_40408+10dupAATG).
Molecular consequence: intron variant.
Genome position (GRCh38, 1-based): chr2:178,645,910-178,645,913, CATT duplicated on the plus strand (AATG on the coding strand, the reverse complement: TTN is on the minus strand). VCF-style (leftmost placement, unchanged base first): chr2-178645909-G-GCATT. GRCh37 (hg19) VCF-style: chr2-179510636-G-GCATT.
Other names: c.13283-3596_13283-3593dup (NM_003319.4); c.13859-3596_13859-3593dup (NM_133437.4); c.13658-3596_13658-3593dup (NM_133432.3); c.32704+7_32704+10dup (NM_133378.4); c.35485+7_35485+10dup (NM_001256850.1); c.32704+7_32704+10dupAATG (NM_133378.4).
Identifiers: ClinVar variation 46934 (VCV000046934.30), dbSNP rs397517560, ClinGen allele CA139562.
Genomic context (GRCh38, chr2:178,645,909, plus strand): 5'-AAGCATCATTTCAGATGGCTGGATAGAAGTTTGAAGCAGGCTAATAAAACTTTGGAAGTG[G>GCATT]CATTTTTTACCTTTAAGTTGGAATATTTTCTCCTTCACATCTTCCTTAGGTGGAGCAGGT-3'